The following is an entry in ClinVar:

NM_014000.3(VCL):c.2827C>A (p.Pro943Thr)

Gene: VCL (vinculin; plus strand). Cytogenetic location: 10q22.2.
Variant type: single nucleotide variant.
Coding change: c.2827C>A on transcript NM_014000.3 (MANE Select); coding-DNA position 2827, C replaced by A.
Protein change: p.Pro943Thr; replaces proline 943 with threonine.
Molecular consequence: missense variant. On other transcripts: intron variant (1).
Genome position (GRCh38, 1-based): chr10:74,111,990, C>A. VCF-style: chr10-74111990-C-A. GRCh37 (hg19) VCF-style: chr10-75871748-C-A.
Other names: c.2746-2194C>A (NM_003373.4); short protein forms P943T.
Identifiers: ClinVar variation 844275 (VCV000844275.14), dbSNP rs71579375, ClinGen allele CA5563317.

ClinVar aggregate classification (germline): Conflicting classifications of pathogenicity. Review status: criteria provided, conflicting classifications (1 of 4 stars). 5 submissions from 5 submitters: Uncertain significance (4); Likely benign (1). Last evaluated 2026-01-27.

Conditions:
Cardiovascular phenotype. Identifiers: MedGen CN230736.
Dilated cardiomyopathy 1W (CMD1W). Identifiers: Orphanet 154, MedGen C1969639, MONDO:0012667, OMIM 611407.

gnomAD v4.1: 81 of 1,614,076 alleles (0.005%); highest among the groups gnomAD compares: East Asian, 0.0067%; no homozygotes.

Submissions (5):

Labcorp Genetics (formerly Invitae), Labcorp
Classification: Uncertain significance for Dilated cardiomyopathy 1W. Last evaluated: 2026-01-27. Review status: criteria provided, single submitter. Criteria: Invitae Variant Classification Sherloc (09022015). Collection method: clinical testing. Allele origin: germline.
Comment: This sequence change replaces proline, which is neutral and non-polar, with threonine, which is neutral and polar, at codon 943 of the VCL protein (p.Pro943Thr). This variant is present in population databases (no rsID available, gnomAD 0.006%). This variant has not been reported in the literature in individuals affected with VCL-related conditions. ClinVar contains an entry for this variant (Variation ID: 844275). An algorithm developed to predict the effect of missense changes on protein structure and function (PolyPhen-2) suggests that this variant is likely to be tolerated. In summary, the available evidence is currently insufficient to determine the role of this variant in disease. Therefore, it has been classified as a Variant of Uncertain Significance.

Ambry Genetics
Classification: Uncertain significance for Cardiovascular phenotype. Last evaluated: 2024-08-05. Review status: criteria provided, single submitter. Criteria: Ambry Variant Classification Scheme 2023. Collection method: clinical testing. Allele origin: germline.

GeneDx
Classification: Uncertain significance. Last evaluated: 2023-08-07. Review status: criteria provided, single submitter. Criteria: GeneDx Variant Classification Process June 2021. Collection method: clinical testing. Allele origin: germline. Affected: yes.
Comment: Not observed at significant frequency in large population cohorts (gnomAD); In silico analysis supports that this missense variant does not alter protein structure/function; Has not been previously published as pathogenic or benign to our knowledge

Blueprint Genetics
Classification: Likely benign. Last evaluated: 2022-11-17. Review status: criteria provided, single submitter. Criteria: ACMG Guidelines, 2015. Collection method: clinical testing. Allele origin: germline.

Women's Health and Genetics/Laboratory Corporation of America, LabCorp
Classification: Uncertain significance. Last evaluated: 2022-01-31. Review status: criteria provided, single submitter. Criteria: LabCorp Variant Classification Summary - May 2015. Collection method: clinical testing. Allele origin: germline.